The following is an entry in ClinVar:

NM_003872.3(NRP2):c.2425+9538G>A

Gene: NRP2 (neuropilin 2; plus strand). Cytogenetic location: 2q33.3.
Variant type: single nucleotide variant.
Coding change: c.2425+9538G>A on transcript NM_003872.3 (MANE Select); 9538 bases into the intron after coding-DNA position 2425, G replaced by A.
Molecular consequence: intron variant. On other transcripts: missense variant (2).
Genome position (GRCh38, 1-based): chr2:205,776,341, G>A. VCF-style: chr2-205776341-G-A. GRCh37 (hg19) VCF-style: chr2-206641065-G-A.
Other names: c.2536G>A, p.Ala846Thr (NM_018534.4); c.2521G>A, p.Ala841Thr (NM_201267.2); c.2440+9523G>A (NM_201266.2); c.2425+9538G>A (NM_201279.2); short protein forms A846T, A841T.
Identifiers: ClinVar variation 4991072 (VCV004991072.1).

ClinVar aggregate classification (germline): Uncertain significance (1 of 4 stars; one submission).

Conditions:
NRP2-related disorder. Also called: NRP2-related condition.

Submission:

PreventionGenetics, part of Exact Sciences
Classification: Uncertain significance for NRP2-related condition. Last evaluated: 2025-11-19. Review status: criteria provided, single submitter. Criteria: ACMG Guidelines, 2015. Collection method: clinical testing. Allele origin: germline.
Comment: The NRP2 c.2536G>A variant is predicted to result in the amino acid substitution p.Ala846Thr. To our knowledge, this variant has not been reported in the literature or in a large population database (gnomAD), indicating this variant is rare. Of note, this variant can also be annotated as c.2536G>A (p.Ala846Thr) using a different transcript (NM_018534). At this time, the clinical significance of this variant is uncertain due to the absence of conclusive functional and genetic evidence.